The following is an entry in ClinVar:

ClinVar aggregate classification (germline): Likely benign. Review status: criteria provided, multiple submitters, no conflicts (2 of 4 stars). 2 submissions from 2 submitters: Likely benign (2). Last evaluated 2026-07-15.

Conditions:
MME-related disorder. Also called: MME-related condition.

Allele frequency attached by ClinVar (database versions not stated): gnomAD exomes 0.00001 and 0.00002; ExAC 0.00004; ESP Exome Variant Server 0.00008; gnomAD 0.00009 and 0.00010; TOPMed 0.00010.
gnomAD v4.1: 22 of 1,611,288 alleles (0.0014%); highest among the groups gnomAD compares: African/African-American, 0.027%; no homozygotes.

Submissions (2):

PreventionGenetics, part of Exact Sciences
Classification: Likely benign for MME-related condition. Last evaluated: 2026-07-15. Review status: criteria provided, single submitter. Criteria: ACMG Guidelines, 2015. Collection method: clinical testing. Allele origin: germline.
Comment: This variant is classified as likely benign based on ACMG/AMP sequence variant interpretation guidelines (Richards et al. 2015 PMID: 25741868, with internal and published modifications).

Labcorp Genetics (formerly Invitae), Labcorp
Classification: Likely benign. Last evaluated: 2024-01-29. Review status: criteria provided, single submitter. Criteria: Invitae Variant Classification Sherloc (09022015). Collection method: clinical testing. Allele origin: germline.

NM_007289.4(MME):c.1332T>C (p.Ile444=)

Gene: MME (membrane metalloendopeptidase; plus strand). Cytogenetic location: 3q25.2.
Variant type: single nucleotide variant.
Coding change: c.1332T>C on transcript NM_007289.4 (MANE Select); coding-DNA position 1332, T replaced by C.
Protein change: p.Ile444=; no amino-acid change (isoleucine 444 retained).
Molecular consequence: synonymous variant.
Genome position (GRCh38, 1-based): chr3:155,144,373, T>C. VCF-style: chr3-155144373-T-C. GRCh37 (hg19) VCF-style: chr3-154862162-T-C.
Other names: c.1332T>C (NM_007289.2); c.1332T>C, p.Ile444= (NM_000902.5, NM_001354642.2, NM_001354643.1 and 2 more transcripts).
Identifiers: ClinVar variation 1377470 (VCV001377470.9), dbSNP rs139071507, ClinGen allele CA2675478.